The following is an entry in ClinVar:

ClinVar aggregate classification (germline): Uncertain significance. Review status: criteria provided, multiple submitters, no conflicts (2 of 4 stars). 3 submissions from 3 submitters: Uncertain significance (3). Last evaluated 2025-02-10.

Conditions:
Inborn genetic diseases. Identifiers: MedGen C0950123, MeSH D030342.

Allele frequency attached by ClinVar (database versions not stated): gnomAD exomes 0.00001 and below 0.00001; TOPMed 0.00002.
gnomAD v4.1: 6 of 1,614,206 alleles (0.00037%); highest among the groups gnomAD compares: Admixed American, 0.0033%; no homozygotes.

Submissions (3):

Labcorp Genetics (formerly Invitae), Labcorp
Classification: Uncertain significance. Last evaluated: 2025-02-10. Review status: criteria provided, single submitter. Criteria: Invitae Variant Classification Sherloc (09022015). Collection method: clinical testing. Allele origin: germline.
Comment: This sequence change replaces arginine, which is basic and polar, with lysine, which is basic and polar, at codon 3 of the TSPAN12 protein (p.Arg3Lys). This variant is present in population databases (no rsID available, gnomAD 0.006%). This variant has not been reported in the literature in individuals affected with TSPAN12-related conditions. ClinVar contains an entry for this variant (Variation ID: 960467). An algorithm developed to predict the effect of missense changes on protein structure and function (PolyPhen-2) suggests that this variant is likely to be tolerated. In summary, the available evidence is currently insufficient to determine the role of this variant in disease. Therefore, it has been classified as a Variant of Uncertain Significance.

Ambry Genetics
Classification: Uncertain significance for Inborn genetic diseases. Last evaluated: 2023-02-16. Review status: criteria provided, single submitter. Criteria: Ambry Variant Classification Scheme 2023. Collection method: clinical testing. Allele origin: germline.

Blueprint Genetics
Classification: Uncertain significance. Last evaluated: 2020-06-30. Review status: criteria provided, single submitter. Criteria: ACMG Guidelines, 2015. Collection method: clinical testing. Allele origin: germline.

NM_012338.4(TSPAN12):c.8G>A (p.Arg3Lys)

Gene: TSPAN12 (tetraspanin 12; minus strand). Cytogenetic location: 7q31.31.
Variant type: single nucleotide variant.
Coding change: c.8G>A on transcript NM_012338.4 (MANE Select); coding-DNA position 8, G replaced by A.
Protein change: p.Arg3Lys; replaces arginine 3 with lysine.
Molecular consequence: missense variant.
Genome position (GRCh38, 1-based): chr7:120,856,756, C>T on the plus strand (G>A on the coding strand, the complement: TSPAN12 is on the minus strand). VCF-style: chr7-120856756-C-T. GRCh37 (hg19) VCF-style: chr7-120496810-C-T.
Other names: short protein forms R3K.
Identifiers: ClinVar variation 960467 (VCV000960467.11), dbSNP rs1445106029, ClinGen allele CA369133572.